The following is an entry in ClinVar:

NM_030780.5(SLC25A32):c.155-1G>T

Gene: SLC25A32 (solute carrier family 25 member 32; minus strand). Cytogenetic location: 8q22.3.
Variant type: single nucleotide variant.
Coding change: c.155-1G>T on transcript NM_030780.5 (MANE Select); the canonical splice acceptor site of the intron before coding-DNA position 155, G replaced by T.
Molecular consequence: splice acceptor variant.
Genome position (GRCh38, 1-based): chr8:103,407,785, C>A on the plus strand (G>T on the coding strand, the complement: SLC25A32 is on the minus strand). VCF-style: chr8-103407785-C-A. GRCh37 (hg19) VCF-style: chr8-104420013-C-A.
Identifiers: ClinVar variation 2747828 (VCV002747828.3), dbSNP rs2488200133, ClinGen allele CA371630690.

ClinVar aggregate classification (germline): Uncertain significance (1 of 4 stars; one submission).

Submission:

Labcorp Genetics (formerly Invitae), Labcorp
Classification: Uncertain significance. Last evaluated: 2023-08-07. Review status: criteria provided, single submitter. Criteria: Invitae Variant Classification Sherloc (09022015). Collection method: clinical testing. Allele origin: germline.
Comment: In summary, the available evidence is currently insufficient to determine the role of this variant in disease. Therefore, it has been classified as a Variant of Uncertain Significance. Algorithms developed to predict the effect of sequence changes on RNA splicing suggest that this variant may disrupt the consensus splice site. This variant has not been reported in the literature in individuals affected with SLC25A32-related conditions. This variant is not present in population databases (gnomAD no frequency). This sequence change affects an acceptor splice site in intron 1 of the SLC25A32 gene. It is expected to disrupt RNA splicing. Variants that disrupt the donor or acceptor splice site typically lead to a loss of protein function (PMID: 16199547), however the current clinical and genetic evidence is not sufficient to establish whether loss-of-function variants in SLC25A32 cause disease.

Literature cited by the submitters: PubMed 16199547.